The following is an entry in ClinVar:

NM_001563.4(IMPG1):c.1330C>G (p.Leu444Val)

Gene: IMPG1 (interphotoreceptor matrix proteoglycan 1; minus strand). Cytogenetic location: 6q14.1.
Variant type: single nucleotide variant.
Coding change: c.1330C>G on transcript NM_001563.4 (MANE Select); coding-DNA position 1330, C replaced by G.
Protein change: p.Leu444Val; replaces leucine 444 with valine.
Molecular consequence: missense variant.
Genome position (GRCh38, 1-based): chr6:75,951,056, G>C on the plus strand (C>G on the coding strand, the complement: IMPG1 is on the minus strand). VCF-style: chr6-75951056-G-C. GRCh37 (hg19) VCF-style: chr6-76660773-G-C.
Other names: c.1096C>G, p.Leu366Val (NM_001282368.2); short protein forms L444V, L366V.
Identifiers: ClinVar variation 2111761 (VCV002111761.4), dbSNP rs1490593280, ClinGen allele CA364778195.

ClinVar aggregate classification (germline): Uncertain significance (1 of 4 stars; one submission).

Allele frequency attached by ClinVar (database versions not stated): gnomAD exomes below 0.00001.
gnomAD v4.1: 1 of 1,613,498 alleles (0.000062%); highest among the groups gnomAD compares: Admixed American, 0.0017%; no homozygotes.

Submission:

Labcorp Genetics (formerly Invitae), Labcorp
Classification: Uncertain significance. Last evaluated: 2023-06-10. Review status: criteria provided, single submitter. Criteria: Invitae Variant Classification Sherloc (09022015). Collection method: clinical testing. Allele origin: germline.
Comment: This sequence change replaces leucine, which is neutral and non-polar, with valine, which is neutral and non-polar, at codon 444 of the IMPG1 protein (p.Leu444Val). This variant is present in population databases (no rsID available, gnomAD 0.003%). This variant has not been reported in the literature in individuals affected with IMPG1-related conditions. ClinVar contains an entry for this variant (Variation ID: 2111761). An algorithm developed to predict the effect of missense changes on protein structure and function (PolyPhen-2) suggests that this variant is likely to be disruptive. In summary, the available evidence is currently insufficient to determine the role of this variant in disease. Therefore, it has been classified as a Variant of Uncertain Significance.